The following is an entry in ClinVar:

NM_005235.3(ERBB4):c.3400G>T (p.Val1134Leu)

Gene: ERBB4 (erb-b2 receptor tyrosine kinase 4; minus strand). Cytogenetic location: 2q34.
Variant type: single nucleotide variant.
Coding change: c.3400G>T on transcript NM_005235.3 (MANE Select); coding-DNA position 3400, G replaced by T.
Protein change: p.Val1134Leu; replaces valine 1134 with leucine.
Molecular consequence: missense variant.
Genome position (GRCh38, 1-based): chr2:211,386,934, C>A on the plus strand (G>T on the coding strand, the complement: ERBB4 is on the minus strand). VCF-style: chr2-211386934-C-A. GRCh37 (hg19) VCF-style: chr2-212251659-C-A.
Other names: c.3352G>T, p.Val1118Leu (NM_001042599.2); short protein forms V1118L, V1134L.
Identifiers: ClinVar variation 2419631 (VCV002419631.6), dbSNP rs139785964, ClinGen allele CA350780565.

ClinVar aggregate classification (germline): Uncertain significance (1 of 4 stars; one submission).

gnomAD v4.1: 5 of 1,614,128 alleles (0.00031%); highest among the groups gnomAD compares: Non-Finnish European, 0.00042%; no homozygotes.

Submission:

Labcorp Genetics (formerly Invitae), Labcorp
Classification: Uncertain significance. Last evaluated: 2022-07-20. Review status: criteria provided, single submitter. Criteria: Invitae Variant Classification Sherloc (09022015). Collection method: clinical testing. Allele origin: germline.
Comment: In summary, the available evidence is currently insufficient to determine the role of this variant in disease. Therefore, it has been classified as a Variant of Uncertain Significance. Algorithms developed to predict the effect of missense changes on protein structure and function (SIFT, PolyPhen-2, Align-GVGD) all suggest that this variant is likely to be tolerated. This variant has not been reported in the literature in individuals affected with ERBB4-related conditions. This variant is not present in population databases (gnomAD no frequency). This sequence change replaces valine, which is neutral and non-polar, with leucine, which is neutral and non-polar, at codon 1134 of the ERBB4 protein (p.Val1134Leu).